The following is an entry in ClinVar:

NM_006231.4(POLE):c.688A>G (p.Ile230Val)

Gene: POLE (DNA polymerase epsilon, catalytic subunit; minus strand). Cytogenetic location: 12q24.33.
Variant type: single nucleotide variant.
Coding change: c.688A>G on transcript NM_006231.4 (MANE Select); coding-DNA position 688, A replaced by G.
Protein change: p.Ile230Val; replaces isoleucine 230 with valine.
Molecular consequence: missense variant.
Genome position (GRCh38, 1-based): chr12:132,677,610, T>C on the plus strand (A>G on the coding strand, the complement: POLE is on the minus strand). VCF-style: chr12-132677610-T-C. GRCh37 (hg19) VCF-style: chr12-133254196-T-C.
Other names: short protein forms I230V.
Identifiers: ClinVar variation 473818 (VCV000473818.11), dbSNP rs1555229662, ClinGen allele CA387364749.
Genomic context (GRCh38, chr12:132,677,610, plus strand): 5'-AGCAGCGACCCAACCCTGCCCCACTCACCACGTGGATCTTCAGGTCAATGGAGAGGCGGA[T>C]GTGGTAGGGAACATCGTACTCGCGCATGTCCACAATGTTGTCCAACTGGTCAGCTATCTT-3'
Protein context (NP_006222.2, residues 220-240): DMREYDVPYH[Ile230Val]RLSIDLKIHV

ClinVar aggregate classification (germline): Uncertain significance. Review status: criteria provided, multiple submitters, no conflicts (2 of 4 stars). 2 submissions from 2 submitters: Uncertain significance (2). Last evaluated 2024-11-27.

Conditions:
Hereditary cancer-predisposing syndrome. Also called: Neoplastic Syndromes, Hereditary; Tumor predisposition; Hereditary Cancer Syndrome; Hereditary neoplastic syndrome. Identifiers: Orphanet 140162, MedGen C0027672, MeSH D009386, MONDO:0015356.

Submissions (2):

Labcorp Genetics (formerly Invitae), Labcorp
Classification: Uncertain significance. Last evaluated: 2024-11-27. Review status: criteria provided, single submitter. Criteria: Invitae Variant Classification Sherloc (09022015). Collection method: clinical testing. Allele origin: germline.
Comment: This sequence change replaces isoleucine, which is neutral and non-polar, with valine, which is neutral and non-polar, at codon 230 of the POLE protein (p.Ile230Val). This variant is not present in population databases (gnomAD no frequency). This variant has not been reported in the literature in individuals affected with POLE-related conditions. ClinVar contains an entry for this variant (Variation ID: 473818). Invitae Evidence Modeling of protein sequence and biophysical properties (such as structural, functional, and spatial information, amino acid conservation, physicochemical variation, residue mobility, and thermodynamic stability) indicates that this missense variant is not expected to disrupt POLE protein function with a negative predictive value of 80%. In summary, the available evidence is currently insufficient to determine the role of this variant in disease. Therefore, it has been classified as a Variant of Uncertain Significance.

Ambry Genetics
Classification: Uncertain significance for Hereditary cancer-predisposing syndrome. Last evaluated: 2022-08-22. Review status: criteria provided, single submitter. Criteria: Ambry Variant Classification Scheme 2023. Collection method: clinical testing. Allele origin: germline.
Comment: The p.I230V variant (also known as c.688A>G), located in coding exon 7 of the POLE gene, results from an A to G substitution at nucleotide position 688. The isoleucine at codon 230 is replaced by valine, an amino acid with highly similar properties. This amino acid position is conserved. In addition, this alteration is predicted to be tolerated by in silico analysis. Since supporting evidence is limited at this time, the clinical significance of this alteration remains unclear.